The following is an entry in ClinVar:

ClinVar aggregate classification (germline): Uncertain significance (0 of 4 stars; one submission).

Conditions:
SEMA3G-related disorder. Also called: SEMA3G-related condition.

gnomAD v4.1: 2 of 1,594,084 alleles (0.00013%); highest among the groups gnomAD compares: Middle Eastern, 0.017%; no homozygotes.

Submission:

PreventionGenetics, part of Exact Sciences
Classification: Uncertain significance for SEMA3G-related condition. Last evaluated: 2024-08-22. Review status: no assertion criteria provided. Collection method: clinical testing. Allele origin: germline.
Comment: The SEMA3G c.821C>G variant is predicted to result in the amino acid substitution p.Ala274Gly. To our knowledge, this variant has not been reported in the literature or in a large population database, indicating this variant is rare. At this time, the clinical significance of this variant is uncertain due to the absence of conclusive functional and genetic evidence.

NM_020163.3(SEMA3G):c.821C>G (p.Ala274Gly)

Gene: SEMA3G (semaphorin 3G; minus strand). Cytogenetic location: 3p21.1.
Variant type: single nucleotide variant.
Coding change: c.821C>G on transcript NM_020163.3 (MANE Select); coding-DNA position 821, C replaced by G.
Protein change: p.Ala274Gly; replaces alanine 274 with glycine.
Molecular consequence: missense variant.
Genome position (GRCh38, 1-based): chr3:52,441,041, G>C on the plus strand (C>G on the coding strand, the complement: SEMA3G is on the minus strand). VCF-style: chr3-52441041-G-C. GRCh37 (hg19) VCF-style: chr3-52475057-G-C.
Other names: short protein forms A274G.
Identifiers: ClinVar variation 3357315 (VCV003357315.1).
Genomic context (GRCh38, chr3:52,441,041, plus strand): 5'-CAGACCAGCCTGGCCTTGAGGAAAGTGCTCCATTTGTTCACCAGCACCCGCTGGCCCCCA[G>C]CATCATTCTGCAGGATAAGGGGCCAGAGTCACGCTTGGGCCCCACGAGGATGGGTCCCAC-3'
Protein context (NP_064548.1, residues 264-284): SRVGRVCVND[Ala274Gly]GGQRVLVNKW